The following is an entry in ClinVar:

ClinVar aggregate classification (germline): Pathogenic (1 of 4 stars; one submission).

Conditions:
Polycystic kidney disease, adult type (PKD1). Also called: Polycystic Kidney, Autosomal Dominant; POLYCYSTIC KIDNEY DISEASE, ADULT, TYPE I; Polycystic Kidney Disease 1, Autosomal Dominant; Polycystic kidney disease 1; Polycystic kidney disease 1, severe; POLYCYSTIC KIDNEY DISEASE 1 WITH OR WITHOUT POLYCYSTIC LIVER DISEASE. Identifiers: MedGen C3149841, MONDO:0008263, OMIM 173900.

Submission:

Victorian Clinical Genetics Services, Murdoch Childrens Research Institute
Classification: Pathogenic for Polycystic kidney disease, adult type. Last evaluated: 2025-08-21. Review status: criteria provided, single submitter. Criteria: ACMG Guidelines, 2015. Collection method: clinical testing. Allele origin: germline. Affected: yes.
Comment: This variant is classified as Pathogenic. Evidence in support of pathogenic classification: Variant is predicted to result in a truncated protein (premature termination codon is NOT located at least 54 nucleotides upstream of the final exon-exon junction) with less than 1/3 of the protein sequence affected; Variant is absent from gnomAD (v2, v3 and v4); This variant has limited previous evidence of pathogenicity in an unrelated individual(s). This variant has been classified as pathogenic in LOVD in an individual with liver and kidney cysts (personal correspondence VKGL-NL_Leiden). - Other downstream protein-truncating variant(s) comparable to the one identified in this case have very strong previous evidence for pathogenicity (ClinVar). Additional information: This variant is heterozygous; This gene is associated with autosomal dominant disease. Polycystic kidney disease 1 (MIM#173900) is predominantly caused by monoallelic variants, with rare reports of biallelic variants causing disease (OMIM); No published evidence of segregation with disease has been identified for this variant; No published functional evidence has been identified for this variant; Loss of function is a known mechanism of disease in this gene and is associated with polycystic kidney disease 1 (MIM#173900); Inheritance information for this variant is not currently available in this individual.

NM_001009944.3(PKD1):c.12271_12272del (p.Trp4091fs)

Gene: PKD1 (polycystin 1, transient receptor potential channel interacting; minus strand). Cytogenetic location: 16p13.3.
Variant type: Deletion.
Coding change: c.12271_12272del on transcript NM_001009944.3 (MANE Select); coding-DNA positions 12271 to 12272, 2 bases deleted (TG; older notation c.12271_12272delTG).
Protein change: p.Trp4091fs; shifts the reading frame from tryptophan 4091.
Molecular consequence: frameshift variant.
Genome position (GRCh38, 1-based): chr16:2,090,457-2,090,458, CA deleted on the plus strand (TG on the coding strand, the reverse complement: PKD1 is on the minus strand). VCF-style (leftmost placement, unchanged base first): chr16-2090456-CCA-C. GRCh37 (hg19) VCF-style: chr16-2140457-CCA-C.
Other names: c.12268_12269del, p.Trp4090fs (NM_000296.4); short protein forms W4090fs, W4091fs.
Identifiers: ClinVar variation 4531531 (VCV004531531.1).
Genomic context (GRCh38, chr16:2,090,456, plus strand): 5'-GTGGTAGCGCCAGCGGAGAATAACAGCCCCCAGCCGTAGGGCGCCCCACAGCCGCAGTGC[CCA>C]GAGCCCCACACACAGCAGGGGTGACAGGTGCCAGGACTCGGCAGGACACAGGGTAGAGAG-3'